The following is an entry in ClinVar:

NM_000518.5(HBB):c.397A>C (p.Lys133Gln)

Genes: HBB (hemoglobin subunit beta; minus strand), LOC107133510 (origin of replication at HBB; plus strand), LOC110006319 (beta-globin gene 3' regulatory region; plus strand). Cytogenetic location: 11p15.4.
Variant type: single nucleotide variant.
Coding change: c.397A>C on transcript NM_000518.5 (MANE Select); coding-DNA position 397, A replaced by C.
Protein change: p.Lys133Gln; replaces lysine 133 with glutamine.
Molecular consequence: missense variant.
Genome position (GRCh38, 1-based): chr11:5,225,645, T>G on the plus strand (A>C on the coding strand, the complement: HBB is on the minus strand). VCF-style: chr11-5225645-T-G. GRCh37 (hg19) VCF-style: chr11-5246875-T-G.
Other names: K132Q; short protein forms K133Q.
Identifiers: ClinVar variation 15233 (VCV000015233.16), dbSNP rs33953406, ClinGen allele CA124973.

ClinVar aggregate classification (germline): Likely benign. Review status: criteria provided, multiple submitters, no conflicts (2 of 4 stars). 4 submissions from 4 submitters: Likely benign (3). 1 of the submissions does not count toward it. Last evaluated 2025-07-30.

Conditions:
HEMOGLOBIN K (WOOLWICH).

Allele frequency attached by ClinVar (database versions not stated): gnomAD exomes below 0.00001; TOPMed 0.00002.
gnomAD v4.1: 1 of 1,614,096 alleles (0.000062%); highest among the groups gnomAD compares: African/African-American, 0.0013%; no homozygotes.

Submissions (4):

ARUP Laboratories, Molecular Genetics and Genomics, ARUP Laboratories
Classification: Likely benign. Last evaluated: 2025-07-30. Review status: criteria provided, single submitter. Criteria: ARUP Molecular Germline Variant Investigation Process 2024. Collection method: clinical testing. Allele origin: germline.
Comment: The Hb K-Woolwich variant (HBB: c.397A>C; p.Lys133Gln, also known as Lys132Gln when numbered from the mature protein; rs33953406, HbVar ID 540, ClinVar ID: 15233) is reported in the literature in an individual affected with beta thalassemia (Lang 1974) but is also described in multiple healthy individuals carrying the variant in the homozygous state or in trans to the Hb S variant (Ali 2015, Cabannes 1980, Sharma 2014, Zago 1986, Allan 1965, HbVar database). While this variant was reported to segregate with slightly elevated HbA2 levels in one family, this family presented with other hematological anomalies, including members with alpha thalassemia and others carrying the Hb S sickle cell variant (Lang 1974). This variant is absent from the Genome Aggregation Database (v2.1.1), indicating it is not a common polymorphism. Computational analyses predict that this variant is deleterious (REVEL: 0.953). In vitro assays indicate that the p.Lys133Gln variant has normal solubility and stability (Cabannes 1980, HbVar database), though it is present at slightly lower levels than wildtype in vivo (Cabannes 1980, Lang 1974), and analysis of p.Lys133Gln protein synthesis rates are inconclusive (Lang 1974, Zago 1986). However, given its presence in multiple individuals with normal hematological profiles, this variant is considered to be likely benign. References: Link to HbVar database: Ali et al. A Rare Haemoglobin Variant Identified as K Woolwich in a Pakistani Male. J Coll Physicians Surg Pak. 2015 Oct;25 Suppl 2:S100-1 Allan et al. Three Haemoglobins K: Woolwich, an Abnormal, Cameroon and Ibadan, Two Unusual Variants of Human Haemoglobin A. Nature. 1965 Nov 13;208:658-661. Cabannes et al. Haemoglobin K Woolwich: a study of the family of a homozygote. J Med Genet. 1980 Jun;17(3):183-6. Lang A, Lehmann H, King-Lewis PA. Hb K Woolwich the cause of a thalassaemia. Nature. 1974 May 31;249(456):467-9. PMID: 4834233. Sharma et al. (2014) Hemoglobin K-Woolwich (Hb KW): Its Combination with Sickle Cell Trait. Open Journal of Pathology, 4, 110-115. Zago et al. Balanced globin synthesis by Hb K Woolwich heterozygotes. Br J Haematol. 1986 Sep;64(1):207-10.

Quest Diagnostics Nichols Institute San Juan Capistrano
Classification: Likely benign. Last evaluated: 2025-06-18. Review status: criteria provided, single submitter. Criteria: Quest Diagnostics criteria. Collection method: clinical testing. Allele origin: unknown.

Women's Health and Genetics/Laboratory Corporation of America, LabCorp
Classification: Likely benign. Last evaluated: 2018-11-20. Review status: criteria provided, single submitter. Criteria: LabCorp Variant Classification Summary - May 2015. Collection method: clinical testing. Allele origin: germline.
Comment: Variant summary: HBB c.397A>C (p.Lys133Gln) results in a conservative amino acid change in the encoded protein sequence. Four of five in-silico tools predict a damaging effect of the variant on protein function. The variant was absent in 246104 control chromosomes (gnomAD). The available data on variant occurrences in the general population are insufficient to allow any conclusion about variant significance. c.397A>C has been reported in the literature from many African countries, reported mainly in the people of the Akan group in West Africa, found predominantly in the Attie subgroup (Ali 2015), which may explain its absence in the gnomAD database due to insufficient coverage of that ethnic group. Several families were reported with heterozygotes and at least one family with a homozygote individual, with none of them expressing any clinical manifestation or hematological abnormality (Ringelhann 1971, Cabannes 1980, Zago 1986, Ali 2015). In addition, functional studies have shown that there were no morphological changes in the red blood cells of heterozygotes, osmotic fragility was within the normal range (Ringelhann 1971), and the variant resulted in no globin chain synthesis imbalance in reticulocytes (Zago 1986). ClinVar has got an entry for the variant, without a classification specified. Based on the evidence outlined above, the variant was classified as likely benign.

OMIM
Classification: other for HEMOGLOBIN K (WOOLWICH). Last evaluated: 2017-12-12. Review status: no assertion criteria provided. Collection method: literature only. Allele origin: germline. Not counted in ClinVar's aggregate classification.

Literature cited by the submitters: PubMed 4999133 (cited by 3 submitters); PubMed 6249934 (cited by Quest Diagnostics Nichols Institute San Juan Capistrano and Women's Health and Genetics/Laboratory Corporation of America, LabCorp); PubMed 3756101 (cited by Quest Diagnostics Nichols Institute San Juan Capistrano and Women's Health and Genetics/Laboratory Corporation of America, LabCorp); PubMed 26522187 (cited by Quest Diagnostics Nichols Institute San Juan Capistrano and Women's Health and Genetics/Laboratory Corporation of America, LabCorp); PubMed 24200101 (cited by Quest Diagnostics Nichols Institute San Juan Capistrano); PubMed 25130136 (cited by Quest Diagnostics Nichols Institute San Juan Capistrano); PubMed 26635043 (cited by Quest Diagnostics Nichols Institute San Juan Capistrano); Allan, N., Beale, D., Irvine, D., Lehmann, H. Three haemoglobins K: Woolwich, an abnormal, Cameroon and Ibadan, two unusual variants of human haemoglobin A. Nature 208: 658-661, 1965. (cited by OMIM).